The following is an entry in ClinVar:

NM_001363711.2(DUOX2):c.3050A>G (p.Glu1017Gly)

Gene: DUOX2 (dual oxidase 2; minus strand). Cytogenetic location: 15q21.1.
Variant type: single nucleotide variant.
Coding change: c.3050A>G on transcript NM_001363711.2 (MANE Select); coding-DNA position 3050, A replaced by G.
Protein change: p.Glu1017Gly; replaces glutamic acid 1017 with glycine.
Molecular consequence: missense variant.
Genome position (GRCh38, 1-based): chr15:45,100,184, T>C on the plus strand (A>G on the coding strand, the complement: DUOX2 is on the minus strand). VCF-style: chr15-45100184-T-C. GRCh37 (hg19) VCF-style: chr15-45392382-T-C.
Other names: c.3050A>G, p.Glu1017Gly (NM_014080.5); short protein forms E1017G.
Identifiers: ClinVar variation 316158 (VCV000316158.19), dbSNP rs79393107, ClinGen allele CA7538030.

ClinVar aggregate classification (germline): Benign/Likely benign. Review status: criteria provided, multiple submitters, no conflicts (2 of 4 stars). 7 submissions from 7 submitters: Benign (4); Likely benign (1). 2 of the submissions do not count toward it. Last evaluated 2026-05-12.

Conditions:
Thyroid dyshormonogenesis 6 (TDH6). Also called: Genetic transient congenital hypothyroidism; HYPOTHYROIDISM, CONGENITAL, DUE TO DYSHORMONOGENESIS, 6; THYROID HORMONOGENESIS, GENETIC DEFECT IN, 6. Identifiers: Orphanet 226316, Orphanet 95716, MedGen C1846632, MONDO:0011792, OMIM 607200.

Allele frequency attached by ClinVar (database versions not stated): ESP Exome Variant Server 0.04056; ExAC 0.01088; gnomAD 0.03509 and 0.03767; 1000 Genomes Project 0.03654; 1000 Genomes Project 30x 0.03998; gnomAD exomes 0.00325 and 0.00845; TOPMed 0.03957.
gnomAD v4.1: 10,337 of 1,614,068 alleles (0.64%); highest among the groups gnomAD compares: African/African-American, 12%; 632 homozygotes.

Submissions (7):

Women's Health and Genetics/Laboratory Corporation of America, LabCorp
Classification: Likely benign. Last evaluated: 2026-05-12. Review status: criteria provided, single submitter. Criteria: LabCorp Variant Classification Summary - May 2015. Collection method: clinical testing. Allele origin: germline.

Labcorp Genetics (formerly Invitae), Labcorp
Classification: Benign. Last evaluated: 2026-02-02. Review status: criteria provided, single submitter. Criteria: Invitae Variant Classification Sherloc (09022015). Collection method: clinical testing. Allele origin: germline.

GeneDx
Classification: Benign. Last evaluated: 2019-02-04. Review status: criteria provided, single submitter. Criteria: GeneDx Variant Classification Process June 2021. Collection method: clinical testing. Allele origin: germline. Affected: yes.
Comment: This variant is associated with the following publications: (PMID: 28666341)

Illumina Laboratory Services, Illumina
Classification: Benign for Thyroid dyshormonogenesis 6. Last evaluated: 2018-01-12. Review status: criteria provided, single submitter. Criteria: ICSL Variant Classification Criteria 13 December 2019. Collection method: clinical testing. Allele origin: germline.
Comment: This variant was observed in the ICSL laboratory as part of a predisposition screen in an ostensibly healthy population. It had not been previously curated by ICSL or reported in the Human Gene Mutation Database (HGMD: prior to June 1st, 2018), and was therefore a candidate for classification through an automated scoring system. Utilizing variant allele frequency, disease prevalence and penetrance estimates, and inheritance mode, an automated score was calculated to assess if this variant is too frequent to cause the disease. Based on the score and internal cut-off values, a variant classified as benign is not then subjected to further curation. The score for this variant resulted in a classification of benign for this disease.

Breakthrough Genomics
Classification: Benign. Review status: criteria provided, single submitter. Criteria: ACMG Guidelines, 2015. Collection method: not provided. Allele origin: germline. Inheritance: Autosomal recessive inheritance. Affected: yes.

Clinical Genetics DNA and cytogenetics Diagnostics Lab, Erasmus MC, Erasmus Medical Center
Classification: Benign. Review status: no assertion criteria provided. Collection method: clinical testing. Allele origin: germline. Affected: yes. Study: VKGL Data-share Consensus. Not counted in ClinVar's aggregate classification.

Clinical Genetics, Academic Medical Center
Classification: Benign. Review status: no assertion criteria provided. Collection method: clinical testing. Allele origin: germline. Affected: yes. Study: VKGL Data-share Consensus. Not counted in ClinVar's aggregate classification.